The following is an entry in ClinVar:

ClinVar aggregate classification (germline): Conflicting classifications of pathogenicity. Review status: criteria provided, conflicting classifications (1 of 4 stars). 3 submissions from 3 submitters: Likely pathogenic (1); Uncertain significance (1). 1 of the submissions does not count toward it. Last evaluated 2025-10-15.

Conditions:
COL4A3-related disorder. Also called: COL4A3-related condition; COL4A3-Related Disorders.
Alport syndrome. Also called: Hemorrhagic familial nephritis; Hemorrhagic hereditary nephritis; Congenital hereditary hematuria. Identifiers: Orphanet 63, MedGen C1567741, MONDO:0018965.

Allele frequency attached by ClinVar (database versions not stated): gnomAD 0.00001; TOPMed 0.00001.
gnomAD v4.1: 12 of 1,613,032 alleles (0.00074%); highest among the groups gnomAD compares: Non-Finnish European, 0.001%; no homozygotes.

Submissions (3):

Natera, Inc.
Classification: Likely pathogenic for Alport syndrome. Last evaluated: 2025-10-15. Review status: criteria provided, single submitter. Criteria: Natera Variant Classification Schema (03/2026). Collection method: clinical testing. Allele origin: germline.
Comment: The c.281G>C variant in COL4A3 is a missense variant predicted to cause substitution of glycine to alanine at amino acid 94. This variant is rare in the general population with a frequency below the threshold expected for the associated phenotype(s). This variant is located in a functionally critical region of the protein. Computational prediction algorithms indicate this variant is likely to affect gene or protein function. Given the available evidence, this variant is classified as Likely Pathogenic.

Labcorp Genetics (formerly Invitae), Labcorp
Classification: Uncertain significance. Last evaluated: 2021-08-31. Review status: criteria provided, single submitter. Criteria: Invitae Variant Classification Sherloc (09022015). Collection method: clinical testing. Allele origin: germline.
Comment: This sequence change replaces glycine with alanine at codon 94 of the COL4A3 protein (p.Gly94Ala). The glycine residue is highly conserved and there is a small physicochemical difference between glycine and alanine. This variant is not present in population databases (ExAC no frequency). This variant has not been reported in the literature in individuals affected with COL4A3-related conditions. Algorithms developed to predict the effect of missense changes on protein structure and function are either unavailable or do not agree on the potential impact of this missense change (SIFT: "Deleterious"; PolyPhen-2: "Probably Damaging"; Align-GVGD: "Class C0"). In summary, the available evidence is currently insufficient to determine the role of this variant in disease. Therefore, it has been classified as a Variant of Uncertain Significance.

PreventionGenetics, part of Exact Sciences
Classification: Uncertain significance for COL4A3-related condition. Last evaluated: 2024-01-11. Review status: no assertion criteria provided. Collection method: clinical testing. Allele origin: germline. Not counted in ClinVar's aggregate classification.
Comment: The COL4A3 c.281G>C variant is predicted to result in the amino acid substitution p.Gly94Ala. To our knowledge, this variant has not been reported in the literature. This variant is reported in 0.00088% of alleles in individuals of European (Non-Finnish) descent in gnomAD. At this time, the clinical significance of this variant is uncertain due to the absence of conclusive functional and genetic evidence.

NM_000091.5(COL4A3):c.281G>C (p.Gly94Ala)

Genes: COL4A3 (collagen type IV alpha 3 chain; plus strand), MFF-DT (MFF divergent transcript; minus strand). Cytogenetic location: 2q36.3.
Variant type: single nucleotide variant.
Coding change: c.281G>C on transcript NM_000091.5 (MANE Select); coding-DNA position 281, G replaced by C.
Protein change: p.Gly94Ala; replaces glycine 94 with alanine.
Molecular consequence: missense variant.
Genome position (GRCh38, 1-based): chr2:227,244,952, G>C. VCF-style: chr2-227244952-G-C. GRCh37 (hg19) VCF-style: chr2-228109668-G-C.
Other names: c.281G>C (NM_000091.4); short protein forms G94A.
Identifiers: ClinVar variation 1063840 (VCV001063840.10), dbSNP rs780287240, ClinGen allele CA66614685.